The following is an entry in ClinVar:

ClinVar aggregate classification (germline): Benign. Review status: reviewed by expert panel (3 of 4 stars). 39 submissions from 39 submitters: Benign (1). 38 of the submissions do not count toward it. Last evaluated 2015-08-10.

Conditions:
Inherited prostate cancer.
BRCA1-related cancer predisposition. Identifiers: MedGen CN377757, MONDO:0700268.
Hereditary cancer-predisposing syndrome. Also called: Neoplastic Syndromes, Hereditary; Tumor predisposition; Hereditary Cancer Syndrome; Hereditary neoplastic syndrome. Identifiers: Orphanet 140162, MedGen C0027672, MeSH D009386, MONDO:0015356.
Breast and/or ovarian cancer. Identifiers: MedGen CN221562.
Hereditary breast ovarian cancer syndrome. Also called: Hereditary breast and/or ovarian cancer syndrome; Hereditary breast and ovarian cancer syndrome; Hereditary breast and ovarian cancer; Hereditary breast and ovarian cancer syndrome (HBOC); Breast and ovarian cancer; BRCA1- and BRCA2-Associated Hereditary Breast and Ovarian Cancer. Identifiers: Orphanet 145, MedGen C0677776, MeSH D061325, MONDO:0003582. Disease mechanism: loss of function.
Breast-ovarian cancer, familial, susceptibility to, 1 (BROVCA1). Also called: OVARIAN CANCER, SUSCEPTIBILITY TO; BRCA1 Hereditary Breast and Ovarian Cancer. Identifiers: Orphanet 145, MedGen C2676676, MONDO:0011450, OMIM 604370. Disease mechanism: loss of function.

Allele frequency attached by ClinVar (database versions not stated): ExAC 0.00030; 1000 Genomes Project 30x 0.00031; ESP Exome Variant Server 0.00031; 1000 Genomes Project 0.00020; gnomAD 0.00034 and 0.00038; TOPMed 0.00043.
gnomAD v4.1: 562 of 1,614,110 alleles (0.035%); highest among the groups gnomAD compares: Middle Eastern, 1.9%; 8 homozygotes.

Submissions 1 to 17 of 39:

Evidence-based Network for the Interpretation of Germline Mutant Alleles (ENIGMA)
Classification: Benign for Breast-ovarian cancer, familial 1. Last evaluated: 2015-08-10. Review status: reviewed by expert panel. Criteria: ENIGMA BRCA1/2 Classification Criteria (2015). Collection method: curation. Allele origin: germline.
Comment: IARC class based on posterior probability from multifactorial likelihood analysis, thresholds for class as per Plon et al. 2008 (PMID: 18951446). Class 1 based on posterior probability = 0.00000000000186

CeGaT Center for Human Genetics Tuebingen
Classification: Benign. Last evaluated: 2026-08-01. Review status: criteria provided, single submitter. Criteria: CeGaT Center For Human Genetics Tuebingen Variant Classification Criteria Version 2. Collection method: clinical testing. Allele origin: germline. Affected: yes. Observed: 33 variant alleles. Not counted in ClinVar's aggregate classification.
Comment: BRCA1: BP1, BS3:Moderate, BS1

Cambridge Genomics Laboratory, East Genomic Laboratory Hub, NHS Genomic Medicine Service
Classification: Benign for Inherited prostate cancer. Last evaluated: 2026-04-30. Review status: criteria provided, single submitter. Criteria: ACGS Best Practice Guidelines for Variant Classification in Rare Disease 2020. Collection method: clinical testing. Allele origin: germline. Affected: yes. Not counted in ClinVar's aggregate classification.
Comment: BS1_Strong,BP1_Strong,BP5_Very Strong

Labcorp Genetics (formerly Invitae), Labcorp
Classification: Benign for Hereditary breast ovarian cancer syndrome. Last evaluated: 2026-02-02. Review status: criteria provided, single submitter. Criteria: Invitae Variant Classification Sherloc (09022015). Collection method: clinical testing. Allele origin: germline. Not counted in ClinVar's aggregate classification.

Center for Genomic Medicine, Rigshospitalet, Copenhagen University Hospital
Classification: Benign. Last evaluated: 2025-03-04. Review status: criteria provided, single submitter. Criteria: ACMG Guidelines, 2015. Collection method: clinical testing. Allele origin: germline. Not counted in ClinVar's aggregate classification.

Blueprint Genetics
Classification: Benign. Last evaluated: 2024-11-12. Review status: criteria provided, single submitter. Criteria: ACMG Guidelines, 2015. Collection method: clinical testing. Allele origin: germline. Not counted in ClinVar's aggregate classification.

All of Us Research Program, National Institutes of Health
Classification: Likely benign for BRCA1-related cancer predisposition. Last evaluated: 2024-09-27. Review status: criteria provided, single submitter. Criteria: ACMG Guidelines, 2015. Collection method: clinical testing. Allele origin: germline. Inheritance: Autosomal dominant inheritance. Observed: 138 variant alleles, 137 heterozygotes, 1 homozygote. Not counted in ClinVar's aggregate classification.
Comment: This study involves interpretation of variants in research participants for the purpose of population health screening. Participant phenotype was not available at the time of variant classification. Additional details can be found in publication PMID: 35346344, PMCID: PMC8962531

ARUP Laboratories, Molecular Genetics and Genomics, ARUP Laboratories
Classification: Benign. Last evaluated: 2024-09-11. Review status: criteria provided, single submitter. Criteria: ARUP Molecular Germline Variant Investigation Process 2024. Collection method: clinical testing. Allele origin: germline. Not counted in ClinVar's aggregate classification.

KCCC/NGS Laboratory, Kuwait Cancer Control Center
Classification: Benign for Breast-ovarian cancer, familial, susceptibility to, 1. Last evaluated: 2023-07-07. Review status: criteria provided, single submitter. Criteria: ACMG Guidelines, 2015. Collection method: clinical testing. Allele origin: germline. Affected: yes. Not counted in ClinVar's aggregate classification.

CHEO Genetics Diagnostic Laboratory, Children's Hospital of Eastern Ontario
Classification: Likely benign for Breast and/or ovarian cancer. Last evaluated: 2023-02-22. Review status: criteria provided, single submitter. Criteria: ACMG Guidelines, 2015. Collection method: clinical testing. Allele origin: germline. Not counted in ClinVar's aggregate classification.

Quest Diagnostics Nichols Institute San Juan Capistrano
Classification: Benign. Last evaluated: 2022-09-03. Review status: criteria provided, single submitter. Criteria: Quest Diagnostics criteria. Collection method: clinical testing. Allele origin: unknown. Not counted in ClinVar's aggregate classification.

Genetic Services Laboratory, University of Chicago
Classification: Benign. Last evaluated: 2022-01-19. Review status: criteria provided, single submitter. Criteria: ACMG Guidelines, 2015. Collection method: clinical testing. Allele origin: germline. Affected: no. Not counted in ClinVar's aggregate classification.

Sema4
Classification: Benign for Hereditary cancer-predisposing syndrome. Last evaluated: 2020-06-25. Review status: criteria provided, single submitter. Criteria: Sema4 Curation Guidelines. Collection method: curation. Allele origin: germline. Not counted in ClinVar's aggregate classification.

Genomic Research Center, Shahid Beheshti University of Medical Sciences
Classification: Likely benign for Breast-ovarian cancer, familial 1. Last evaluated: 2020-05-03. Review status: criteria provided, single submitter. Criteria: ACMG Guidelines, 2015. Collection method: clinical testing. Allele origin: unknown. Affected: yes. Not counted in ClinVar's aggregate classification.

Mendelics
Classification: Likely benign for Breast-ovarian cancer, familial, susceptibility to, 1. Last evaluated: 2019-05-28. Review status: criteria provided, single submitter. Criteria: Mendelics Assertion Criteria 2017. Collection method: clinical testing. Allele origin: unknown. Not counted in ClinVar's aggregate classification.

Illumina Laboratory Services, Illumina
Classification: Uncertain significance for Breast-ovarian cancer, familial, susceptibility to, 1. Last evaluated: 2018-11-19. Review status: criteria provided, single submitter. Criteria: ICSL Variant Classification Criteria 13 December 2019. Collection method: clinical testing. Allele origin: germline. Not counted in ClinVar's aggregate classification.
Comment: This variant was observed as part of a predisposition screen in an ostensibly healthy population. A literature search was performed for the gene, cDNA change, and amino acid change (where applicable). Publications were found based on this search. However, the evidence from the literature, in combination with allele frequency data from public databases where available, was not sufficient to rule this variant in or out of causing disease. Therefore, this variant is classified as a variant of unknown significance.

Women's Health and Genetics/Laboratory Corporation of America, LabCorp
Classification: Benign. Last evaluated: 2018-08-21. Review status: criteria provided, single submitter. Criteria: LabCorp Variant Classification Summary - May 2015. Collection method: clinical testing. Allele origin: germline. Not counted in ClinVar's aggregate classification.
Comment: Variant summary: BRCA1 c.1456T>C (p.Phe486Leu) results in a non-conservative amino acid change located in the BRCA1, serine-rich domain of the encoded protein sequence. Four of five in-silico tools predict a benign effect of the variant on protein function. The variant allele was found at a frequency of 0.00028 in 278056 control chromosomes. This frequency is not higher than expected for a pathogenic variant in BRCA1 causing Hereditary Breast and Ovarian Cancer (0.00028 vs 0.001), allowing no conclusion about variant significance. This variant has been reported in cis with Y179C and N550H in most patients and has been reported in the literature in individuals affected with Hereditary Breast and Ovarian Cancer; however a possible lack of cosegregation in at least two families has been reported (Caligo_2009; Mahfoudh_2012). Co-occurrences with other pathogenic variants have been reported (BRCA1 p.W321X; BRCA2 p.S1970X; BRCA2 p.E2028KfsX19), providing supporting evidence for a benign role. Several publications report experimental evidence evaluating an impact on protein function, including homologous repair, protein-protein interactions, and single stand annealing assays, all of which showed no damaging effect caused by the variant (Caligo_2009; Anantha_2017). Ten clinical diagnostic laboratories have submitted clinical-significance assessments for this variant to ClinVar after 2014 with conflicting assessments; however, the majority of labs classified the variant in the benign spectrum (LB/B = 8; VUS = 2). Based on the evidence outlined above, the variant was classified as benign.

NM_007294.4(BRCA1):c.1456T>C (p.Phe486Leu)

Gene: BRCA1 (BRCA1 DNA repair associated; minus strand). Cytogenetic location: 17q21.31.
Variant type: single nucleotide variant.
Coding change: c.1456T>C on transcript NM_007294.4 (MANE Select); coding-DNA position 1456, T replaced by C.
Protein change: p.Phe486Leu; replaces phenylalanine 486 with leucine.
Molecular consequence: missense variant. On other transcripts: intron variant (137).
Genome position (GRCh38, 1-based): chr17:43,094,075, A>G on the plus strand (T>C on the coding strand, the complement: BRCA1 is on the minus strand). VCF-style: chr17-43094075-A-G. GRCh37 (hg19) VCF-style: chr17-41246092-A-G.
Other names: p.F486L:TTT>CTT; 1575T>C; c.520+669T>C (NM_001408505.1, NM_001408504.1, NM_001408503.1); c.460+1771T>C (NM_001408507.1, NM_001408506.1); c.545-3043T>C (NM_001408495.1); c.661+669T>C (NM_001408448.1, NM_001408445.1, NM_001408432.1 and 6 more transcripts); c.667+1771T>C (NM_001408421.1, NM_001408431.1, NM_001408424.1); c.784+669T>C (NM_001407991.1, NM_001408407.1, NM_001408402.1 and 13 more transcripts); and 42 more; short protein forms F486L, F439L, F374L, F375L, F416L, F419L, F444L, F358L.
Identifiers: ClinVar variation 54258 (VCV000054258.99), dbSNP rs55906931, ClinGen allele CA000976.